The following is an entry in ClinVar:

ClinVar aggregate classification (germline): Pathogenic/Likely pathogenic. Review status: criteria provided, multiple submitters, no conflicts (2 of 4 stars). 4 submissions from 4 submitters: Pathogenic (1); Likely pathogenic (1). 2 of the submissions do not count toward it. Last evaluated 2025-09-16.

Conditions:
Pancreatic agenesis 1 (PAGEN1). Also called: PANCREATIC HYPOPLASIA, CONGENITAL. Identifiers: Orphanet 2805, MedGen C3891828, MONDO:0024547, OMIM 260370.
Maturity-onset diabetes of the young type 4 (MODY4). Also called: Maturity-onset diabetes of the young, type IV; MODY, type IV. Identifiers: Orphanet 552, MedGen C1833382, MONDO:0011667, OMIM 606392.

Allele frequency attached by ClinVar (database versions not stated): TOPMed below 0.00001.

Submissions (4):

OLLIN Analises Genomicas, OLLIN
Classification: Pathogenic for Pancreatic agenesis 1. Last evaluated: 2025-09-16. Review status: criteria provided, single submitter. Criteria: ACMG Guidelines 2015 PMID 25741868. Collection method: clinical testing. Allele origin: germline. Affected: yes. Observed: 1 variant allele.
Comment: The missense variant (chr13:27924381G>A), located in exon 2 (of 2), absent in gnomAD v4.1 non-UKB, is reported in ClinVar (VCV000008865.3) and in the scientific literature, in compound heterozygosity and segregating with the phenotype, in individuals with pancreatic agenesis and in simple heterozygosity in individuals with diabetes mellitus (PMID: 12970316, 33746035). In silico analysis predicts that this variant has a deleterious effect, and there is another reported pathogenic variant that alters this same residue, but to a different amino acid (c.533A>G p.Glu178Gly; ClinVar ID: VCV000030124.7, PMID: 20009086). According to the currently available evidence, this variant has been classified as pathogenic (PM2_P, PM3, PM5, PP1, PP3_S).

Dasa
Classification: Likely pathogenic for Maturity-onset diabetes of the young type 4. Last evaluated: 2025-09-03. Review status: criteria provided, single submitter. Criteria: DASA Assertion Criteria. Collection method: clinical testing. Allele origin: germline.
Comment: NM_000209.4(PDX1):c.532G>A (p.Glu178Lys) is a missense variant that results in the substitution of glutamic acid with lysine. This variant has been recurrently observed in individuals with PDX1-related disorders (PMID: 33746035; PMID: 39364395). Segregation data support an association with disease in the reported family/families (PMID: 33746035; PMID: 39364395). Also, this variant is absent from population databases. Computational evidence supports a deleterious effect. Based on the currently available evidence, this variant is classified as likely pathogenic.

OMIM
Classification: Pathogenic for PANCREATIC AGENESIS 1. Last evaluated: 2003-09-01. Review status: no assertion criteria provided. Collection method: literature only. Allele origin: germline. Not counted in ClinVar's aggregate classification.

GeneReviews
No classification provided. Condition: Pancreatic agenesis 1. Review status: no classification provided. Collection method: literature only. Allele origin: unknown. Not counted in ClinVar's aggregate classification.

Literature cited by the submitters: PubMed 12970316 (cited by 3 submitters); PubMed 33746035 (cited by OLLIN Analises Genomicas, OLLIN and Dasa); PubMed 20009086 (cited by OLLIN Analises Genomicas, OLLIN); PubMed 39364395 (cited by Dasa); PubMed 20301620 (cited by GeneReviews); NCBI Bookshelf NBK1447 (cited by GeneReviews).

NM_000209.4(PDX1):c.532G>A (p.Glu178Lys)

Gene: PDX1 (pancreatic and duodenal homeobox 1; plus strand). Cytogenetic location: 13q12.2.
Variant type: single nucleotide variant.
Coding change: c.532G>A on transcript NM_000209.4 (MANE Select); coding-DNA position 532, G replaced by A.
Protein change: p.Glu178Lys; replaces glutamic acid 178 with lysine.
Molecular consequence: missense variant.
Genome position (GRCh38, 1-based): chr13:27,924,381, G>A. VCF-style: chr13-27924381-G-A. GRCh37 (hg19) VCF-style: chr13-28498518-G-A.
Other names: short protein forms E178K.
Identifiers: ClinVar variation 8865 (VCV000008865.6), dbSNP rs80356662, ClinGen allele CA341649.
Genomic context (GRCh38, chr13:27,924,381, plus strand): 5'-CTGCTAGAGCTGGAGAAGGAGTTCCTATTCAACAAGTACATCTCACGGCCGCGCCGGGTG[G>A]AGCTGGCTGTCATGTTGAACTTGACCGAGAGACACATCAAGATCTGGTTCCAAAACCGCC-3'
Protein context (NP_000200.1, residues 168-188): NKYISRPRRV[Glu178Lys]LAVMLNLTER